The following is an entry in ClinVar:

NM_001374259.2(IL12RB2):c.973_975dup (p.Leu325dup)

Gene: IL12RB2 (interleukin 12 receptor subunit beta 2; plus strand). Cytogenetic location: 1p31.3.
Variant type: Duplication.
Coding change: c.973_975dup on transcript NM_001374259.2 (MANE Select); coding-DNA positions 973 to 975, 3 bases duplicated (TTA; older notation c.973_975dupTTA).
Protein change: p.Leu325dup; duplicates leucine 325.
Molecular consequence: inframe insertion. On other transcripts: non-coding transcript variant (2).
Genome position (GRCh38, 1-based): chr1:67,338,638-67,338,640, TTA duplicated. VCF-style (leftmost placement, unchanged base first): chr1-67338637-G-GTTA. GRCh37 (hg19) VCF-style: chr1-67804320-G-GTTA.
Other names: c.973_975dup, p.Leu325dup (NM_001258214.1, NM_001258215.1, NM_001258216.1 and 2 more transcripts); c.973_975dupTTA (NM_001559.2).
Identifiers: ClinVar variation 1110511 (VCV001110511.11), dbSNP rs578200723, ClinGen allele CA900355.

ClinVar aggregate classification (germline): Likely benign. Review status: criteria provided, single submitter (1 of 4 stars). 2 submissions from 2 submitters: Likely benign (1). 1 of the submissions does not count toward it. Last evaluated 2026-02-01.

Conditions:
IL12RB2-related disorder. Also called: IL12RB2-related condition.

Allele frequency attached by ClinVar (database versions not stated): 1000 Genomes Project 0.00060; TOPMed 0.00100; ExAC 0.00101; gnomAD exomes 0.00102 and 0.00125; gnomAD 0.00106 and 0.00109; ESP Exome Variant Server 0.00112.

Submissions (2):

Labcorp Genetics (formerly Invitae), Labcorp
Classification: Likely benign. Last evaluated: 2026-02-01. Review status: criteria provided, single submitter. Criteria: Invitae Variant Classification Sherloc (09022015). Collection method: clinical testing. Allele origin: germline.

PreventionGenetics, part of Exact Sciences
Classification: Likely benign for IL12RB2-related condition. Last evaluated: 2022-02-07. Review status: no assertion criteria provided. Collection method: clinical testing. Allele origin: germline. Not counted in ClinVar's aggregate classification.
Comment: This variant is classified as likely benign based on ACMG/AMP sequence variant interpretation guidelines (Richards et al. 2015 PMID: 25741868, with internal and published modifications).